The following is an entry in ClinVar:

NM_031229.4(RBCK1):c.880G>T (p.Ala294Ser)

Gene: RBCK1 (RANBP2-type and C3HC4-type zinc finger containing 1; plus strand). Cytogenetic location: 20p13.
Variant type: single nucleotide variant.
Coding change: c.880G>T on transcript NM_031229.4 (MANE Select); coding-DNA position 880, G replaced by T.
Protein change: p.Ala294Ser; replaces alanine 294 with serine.
Molecular consequence: missense variant. On other transcripts: non-coding transcript variant (1), intron variant (2).
Genome position (GRCh38, 1-based): chr20:420,994, G>T. VCF-style: chr20-420994-G-T. GRCh37 (hg19) VCF-style: chr20-401638-G-T.
Other names: c.931G>T, p.Ala311Ser (NM_001410770.1); c.754G>T, p.Ala252Ser (NM_006462.6); c.408-1133G>T (NM_001323956.2, NM_001323958.2); short protein forms A294S, A252S, A311S.
Identifiers: ClinVar variation 2002667 (VCV002002667.4), dbSNP rs2514517235, ClinGen allele CA407928506.

ClinVar aggregate classification (germline): Uncertain significance (1 of 4 stars; one submission).

Conditions:
Polyglucosan body myopathy type 1 (PGBM1). Also called: POLYGLUCOSAN BODY MYOPATHY WITHOUT IMMUNODEFICIENCY; Polyglucosan body myopathy 1 with or without immunodeficiency. Identifiers: Orphanet 329173, Orphanet 397937, MedGen C4014605, MONDO:0014389, OMIM 615895.

Submission:

Labcorp Genetics (formerly Invitae), Labcorp
Classification: Uncertain significance for Polyglucosan body myopathy type 1. Last evaluated: 2022-06-15. Review status: criteria provided, single submitter. Criteria: Invitae Variant Classification Sherloc (09022015). Collection method: clinical testing. Allele origin: germline.
Comment: This sequence change replaces alanine, which is neutral and non-polar, with serine, which is neutral and polar, at codon 294 of the RBCK1 protein (p.Ala294Ser). This variant is not present in population databases (gnomAD no frequency). This variant has not been reported in the literature in individuals affected with RBCK1-related conditions. Algorithms developed to predict the effect of missense changes on protein structure and function are either unavailable or do not agree on the potential impact of this missense change (SIFT: "Not Available"; PolyPhen-2: "Benign"; Align-GVGD: "Not Available"). In summary, the available evidence is currently insufficient to determine the role of this variant in disease. Therefore, it has been classified as a Variant of Uncertain Significance.